The following is an entry in ClinVar:

NM_003982.4(SLC7A7):c.802C>A (p.Pro268Thr)

Gene: SLC7A7 (solute carrier family 7 member 7; minus strand). Cytogenetic location: 14q11.2.
Variant type: single nucleotide variant.
Coding change: c.802C>A on transcript NM_003982.4 (MANE Select); coding-DNA position 802, C replaced by A.
Protein change: p.Pro268Thr; replaces proline 268 with threonine.
Molecular consequence: missense variant.
Genome position (GRCh38, 1-based): chr14:22,776,287, G>T on the plus strand (C>A on the coding strand, the complement: SLC7A7 is on the minus strand). VCF-style: chr14-22776287-G-T. GRCh37 (hg19) VCF-style: chr14-23245496-G-T.
Other names: c.802C>A, p.Pro268Thr (NM_001126105.3, NM_001126106.4); short protein forms P268T.
Identifiers: ClinVar variation 2636342 (VCV002636342.1), dbSNP rs2038605677, ClinGen allele CA388923762.
Genomic context (GRCh38, chr14:22,776,287, plus strand): 5'-TCATGTCTAGCACAGTATAATAGGCCACATTGGTCAAGATATAGATGATGGTGACAATGG[G>T]CATGGAGATGCCAATGGAGAGGGGCAGGTTCCTACAGCCAAATAGAATAAAATGCACATT-3'
Protein context (NP_003973.3, residues 258-278): NLPLSIGISM[Pro268Thr]IVTIIYILTN

ClinVar aggregate classification (germline): Uncertain significance (1 of 4 stars; one submission).

Conditions:
SLC7A7-related disorder. Also called: SLC7A7-related condition.

Submission:

PreventionGenetics, part of Exact Sciences
Classification: Uncertain significance for SLC7A7-related condition. Last evaluated: 2022-09-10. Review status: criteria provided, single submitter. Criteria: ACMG Guidelines, 2015. Collection method: clinical testing. Allele origin: germline.
Comment: The SLC7A7 c.802C>A variant is predicted to result in the amino acid substitution p.Pro268Thr. To our knowledge, this variant has not been reported in the literature or in a large population database, indicating this variant is rare. At this time, the clinical significance of this variant is uncertain due to the absence of conclusive functional and genetic evidence.